The following is an entry in ClinVar:

ClinVar aggregate classification (germline): Uncertain significance. Review status: criteria provided, multiple submitters, no conflicts (2 of 4 stars). 4 submissions from 4 submitters: Uncertain significance (4). Last evaluated 2026-08-04.

Conditions:
Inborn genetic diseases. Identifiers: MedGen C0950123, MeSH D030342.
RP1-related disorder. Also called: RP1-related condition.

Allele frequency attached by ClinVar (database versions not stated): TOPMed below 0.00001; gnomAD 0.00001; gnomAD exomes 0.00001.
gnomAD v4.1: 10 of 1,613,908 alleles (0.00062%); highest among the groups gnomAD compares: Non-Finnish European, 0.00076%; no homozygotes.

Submissions (4):

PreventionGenetics, part of Exact Sciences
Classification: Uncertain significance for RP1-related condition. Last evaluated: 2026-08-04. Review status: criteria provided, single submitter. Criteria: ACMG Guidelines, 2015. Collection method: clinical testing. Allele origin: germline.
Comment: The RP1 c.4372A>C variant is predicted to result in the amino acid substitution p.Ser1458Arg. To our knowledge, this variant has not been reported in the literature or in a large population database (gnomAD), indicating this variant is rare. At this time, the clinical significance of this variant is uncertain due to the absence of conclusive functional and genetic evidence.

Labcorp Genetics (formerly Invitae), Labcorp
Classification: Uncertain significance. Last evaluated: 2025-09-22. Review status: criteria provided, single submitter. Criteria: Invitae Variant Classification Sherloc (09022015). Collection method: clinical testing. Allele origin: germline.
Comment: This sequence change replaces serine, which is neutral and polar, with arginine, which is basic and polar, at codon 1458 of the RP1 protein (p.Ser1458Arg). This variant is not present in population databases (gnomAD no frequency). This variant has not been reported in the literature in individuals affected with RP1-related conditions. ClinVar contains an entry for this variant (Variation ID: 837103). An algorithm developed to predict the effect of missense changes on protein structure and function (PolyPhen-2) suggests that this variant is likely to be disruptive. In summary, the available evidence is currently insufficient to determine the role of this variant in disease. Therefore, it has been classified as a Variant of Uncertain Significance.

Ambry Genetics
Classification: Uncertain significance for Inborn genetic diseases. Last evaluated: 2025-05-14. Review status: criteria provided, single submitter. Criteria: Ambry Variant Classification Scheme 2023. Collection method: clinical testing. Allele origin: germline.

Blueprint Genetics
Classification: Uncertain significance. Last evaluated: 2024-10-21. Review status: criteria provided, single submitter. Criteria: ACMG Guidelines, 2015. Collection method: clinical testing. Allele origin: germline.

NM_006269.2(RP1):c.4372A>C (p.Ser1458Arg)

Gene: RP1 (RP1 axonemal microtubule associated; plus strand). Cytogenetic location: 8q12.1.
Variant type: single nucleotide variant.
Coding change: c.4372A>C on transcript NM_006269.2 (MANE Select); coding-DNA position 4372, A replaced by C.
Protein change: p.Ser1458Arg; replaces serine 1458 with arginine.
Molecular consequence: missense variant. On other transcripts: intron variant (1).
Genome position (GRCh38, 1-based): chr8:54,628,254, A>C. VCF-style: chr8-54628254-A-C. GRCh37 (hg19) VCF-style: chr8-55540814-A-C.
Other names: c.787+5966A>C (NM_001375654.1); short protein forms S1458R.
Identifiers: ClinVar variation 837103 (VCV000837103.14), dbSNP rs749367692, ClinGen allele CA177181797.